The following is an entry in ClinVar:

NM_198525.3(KIF7):c.2719-28CCCT[6]

Gene: KIF7 (kinesin family member 7; minus strand). Cytogenetic location: 15q26.1.
Variant type: Microsatellite.
Coding change: c.2719-28CCCT[6] on transcript NM_198525.3 (MANE Select); six copies in a row of the 4-base unit CCCT starting at c.2719-28; the reference has four copies in a row; two copies, 8 bases duplicated.
Molecular consequence: intron variant.
Genome position (GRCh38, 1-based): chr15:89,633,009-89,633,016, AGGGAGGG duplicated on the plus strand (CCCTCCCT on the coding strand, the reverse complement: KIF7 is on the minus strand); duplicating any 8 consecutive bases within chr15:89,633,009-89,633,025 gives the same sequence; the position shown is the placement nearest the transcript's 3' end. VCF-style (leftmost placement, unchanged base first): chr15-89633008-T-TAGGGAGGG. GRCh37 (hg19) VCF-style: chr15-90176239-T-TAGGGAGGG.
Identifiers: ClinVar variation 449246 (VCV000449246.15), dbSNP rs3840030, ClinGen allele CA274568034.

ClinVar aggregate classification (germline): Likely benign. Review status: criteria provided, multiple submitters, no conflicts (2 of 4 stars). 5 submissions from 5 submitters: Likely benign (3). 2 of the submissions do not count toward it. Last evaluated 2026-02-03.

Conditions:
Acrocallosal syndrome (ACLS). Also called: HALLUX DUPLICATION, POSTAXIAL POLYDACTYLY, AND ABSENCE OF CORPUS CALLOSUM; Schinzel syndrome 1; Absence of corpus callosum with unusual facial appearance, mental deficiency, duplication of the halluces and polydactyly. Identifiers: Orphanet 36, MedGen C0796147, MONDO:0008708, OMIM 200990.

Submissions (5):

Labcorp Genetics (formerly Invitae), Labcorp
Classification: Likely benign for Acrocallosal syndrome. Last evaluated: 2026-02-03. Review status: criteria provided, single submitter. Criteria: Invitae Variant Classification Sherloc (09022015). Collection method: clinical testing. Allele origin: germline.

Blueprint Genetics
Classification: Likely benign. Last evaluated: 2024-11-27. Review status: criteria provided, single submitter. Criteria: ACMG Guidelines, 2015. Collection method: clinical testing. Allele origin: germline.

GeneDx
Classification: Likely benign. Last evaluated: 2022-12-22. Review status: criteria provided, single submitter. Criteria: GeneDx Variant Classification Process June 2021. Collection method: clinical testing. Allele origin: germline. Affected: yes.
Comment: See Variant Classification Assertion Criteria.

Clinical Genetics, Academic Medical Center
Classification: Benign. Review status: no assertion criteria provided. Collection method: clinical testing. Allele origin: germline. Affected: yes. Study: VKGL Data-share Consensus. Not counted in ClinVar's aggregate classification.

Genome Diagnostics Laboratory, University Medical Center Utrecht
Classification: Benign. Review status: no assertion criteria provided. Collection method: clinical testing. Allele origin: germline. Affected: yes. Study: VKGL Data-share Consensus. Not counted in ClinVar's aggregate classification.